The following is an entry in ClinVar:

NM_005235.3(ERBB4):c.197C>T (p.Thr66Ile)

Gene: ERBB4 (erb-b2 receptor tyrosine kinase 4; minus strand). Cytogenetic location: 2q34.
Variant type: single nucleotide variant.
Coding change: c.197C>T on transcript NM_005235.3 (MANE Select); coding-DNA position 197, C replaced by T.
Protein change: p.Thr66Ile; replaces threonine 66 with isoleucine.
Molecular consequence: missense variant.
Genome position (GRCh38, 1-based): chr2:212,124,789, G>A on the plus strand (C>T on the coding strand, the complement: ERBB4 is on the minus strand). VCF-style: chr2-212124789-G-A. GRCh37 (hg19) VCF-style: chr2-212989514-G-A.
Other names: c.197C>T, p.Thr66Ile (NM_001042599.2); short protein forms T66I.
Identifiers: ClinVar variation 2445744 (VCV002445744.1), dbSNP rs2079869675, ClinGen allele CA350783632.
Genomic context (GRCh38, chr2:212,124,789, plus strand): 5'-GAGAAAGAAAGCCACAGCTTTACCCGCAGGAAGGAGAGGTCCCGGTTGTGCTCAATGCTG[G>A]TTATCTCCAGGTTGCCCATGACAACCTCACAGTTTTCATAGTACTTGCGCAAGGCTCGGT-3'
Protein context (NP_005226.1, residues 56-76): CEVVMGNLEI[Thr66Ile]SIEHNRDLSF

ClinVar aggregate classification (germline): Uncertain significance (1 of 4 stars; one submission).

Allele frequency attached by ClinVar (database versions not stated): TOPMed below 0.00001.

Submission:

Women's Health and Genetics/Laboratory Corporation of America, LabCorp
Classification: Uncertain significance. Last evaluated: 2023-02-07. Review status: criteria provided, single submitter. Criteria: LabCorp Variant Classification Summary - May 2015. Collection method: clinical testing. Allele origin: germline.
Comment: Variant summary: ERBB4 c.197C>T (p.Thr66Ile) results in a non-conservative amino acid change located in the Receptor L-domain (IPR000494) of the encoded protein sequence. Five of five in-silico tools predict a damaging effect of the variant on protein function. The variant was absent in 251448 control chromosomes (gnomAD). The available data on variant occurrences in the general population are insufficient to allow any conclusion about variant significance. To our knowledge, no occurrence of c.197C>T in individuals affected with Amyotrophic Lateral Sclerosis Type 19 and no experimental evidence demonstrating its impact on protein function have been reported. No clinical diagnostic laboratories have submitted clinical-significance assessments for this variant to ClinVar after 2014. Based on the evidence outlined above, the variant was classified as uncertain significance.